The following is an entry in ClinVar:

ClinVar aggregate classification (germline): Benign/Likely benign. Review status: criteria provided, multiple submitters, no conflicts (2 of 4 stars). 4 submissions from 4 submitters: Benign (1); Likely benign (3). Last evaluated 2026-02-01.

Conditions:
Kabuki syndrome. Also called: NIIKAWA-KUROKI SYNDROME; Kabuki make-up syndrome. Identifiers: Orphanet 2322, MedGen C0796004, MONDO:0016512.

Allele frequency attached by ClinVar (database versions not stated): gnomAD 0.00013; 1000 Genomes Project 30x 0.00016; gnomAD exomes 0.00019 and 0.00026; 1000 Genomes Project 0.00020; TOPMed 0.00022; ExAC 0.00040; ESP Exome Variant Server 0.00040.
gnomAD v4.1: 391 of 1,571,828 alleles (0.025%); highest among the groups gnomAD compares: Middle Eastern, 0.1%; 1 homozygote.

Submissions (4):

CeGaT Center for Human Genetics Tuebingen
Classification: Likely benign. Last evaluated: 2026-02-01. Review status: criteria provided, single submitter. Criteria: CeGaT Center For Human Genetics Tuebingen Variant Classification Criteria Version 2. Collection method: clinical testing. Allele origin: germline. Affected: yes. Observed: 3 variant alleles.
Comment: KMT2D: BP4, BP7

Labcorp Genetics (formerly Invitae), Labcorp
Classification: Benign for Kabuki syndrome. Last evaluated: 2026-01-23. Review status: criteria provided, single submitter. Criteria: Invitae Variant Classification Sherloc (09022015). Collection method: clinical testing. Allele origin: germline.

Blueprint Genetics
Classification: Likely benign. Last evaluated: 2024-10-03. Review status: criteria provided, single submitter. Criteria: ACMG Guidelines, 2015. Collection method: clinical testing. Allele origin: germline.

PreventionGenetics, part of Exact Sciences
Classification: Likely benign. Review status: criteria provided, single submitter. Criteria: ACMG Guidelines, 2015. Collection method: clinical testing. Allele origin: germline.

NM_003482.4(KMT2D):c.8547C>T (p.Ala2849=)

Gene: KMT2D (lysine methyltransferase 2D; minus strand). Cytogenetic location: 12q13.12.
Variant type: single nucleotide variant.
Coding change: c.8547C>T on transcript NM_003482.4 (MANE Select); coding-DNA position 8547, C replaced by T.
Protein change: p.Ala2849=; no amino-acid change (alanine 2849 retained).
Molecular consequence: synonymous variant.
Genome position (GRCh38, 1-based): chr12:49,038,809, G>A on the plus strand (C>T on the coding strand, the complement: KMT2D is on the minus strand). VCF-style: chr12-49038809-G-A. GRCh37 (hg19) VCF-style: chr12-49432592-G-A.
Identifiers: ClinVar variation 259062 (VCV000259062.34), dbSNP rs368381758, ClinGen allele CA6546824.
Genomic context (GRCh38, chr12:49,038,809, plus strand): 5'-AGGCACTGGCTCACCAGGGCCTGGCAGACGGGTGGAAATTCCCGCCAACGGGGAACCTAG[G>A]GCTTGGCGGCCAAGTTCAGGTCCAGGAGTTGATGGAAAGCGAGCTGACATGGCAAATCGC-3'
Protein context (NP_003473.3, residues 2839-2859): STPGPELGRQ[Ala2849=]LGSPLAGIST